The following is an entry in ClinVar:

ClinVar aggregate classification (germline): Uncertain significance (1 of 4 stars; one submission).

Conditions:
Hypertrophic cardiomyopathy. Also called: HYPERTROPHIC MYOCARDIOPATHY. Identifiers: Orphanet 217569, MedGen C0007194, MeSH D002312, MONDO:0005045, HP:0001639.

Allele frequency attached by ClinVar (database versions not stated): gnomAD exomes below 0.00001.
gnomAD v4.1: 1 of 1,605,890 alleles (0.000062%); highest among the groups gnomAD compares: Non-Finnish European, 0.000085%; no homozygotes.

Submission:

Labcorp Genetics (formerly Invitae), Labcorp
Classification: Uncertain significance for Hypertrophic cardiomyopathy. Last evaluated: 2023-07-16. Review status: criteria provided, single submitter. Criteria: Invitae Variant Classification Sherloc (09022015). Collection method: clinical testing. Allele origin: germline.
Comment: In summary, the available evidence is currently insufficient to determine the role of this variant in disease. Therefore, it has been classified as a Variant of Uncertain Significance. Variants that disrupt the consensus splice site are a relatively common cause of aberrant splicing (PMID: 17576681, 9536098). Algorithms developed to predict the effect of sequence changes on RNA splicing suggest that this variant is not likely to affect RNA splicing. This variant has not been reported in the literature in individuals affected with JPH2-related conditions. This variant is not present in population databases (gnomAD no frequency). This sequence change falls in intron 2 of the JPH2 gene. It does not directly change the encoded amino acid sequence of the JPH2 protein. It affects a nucleotide within the consensus splice site.

Literature cited by the submitters: PubMed 17576681; PubMed 9536098.

NM_020433.5(JPH2):c.1170-3T>C

Gene: JPH2 (junctophilin 2; minus strand). Cytogenetic location: 20q13.12.
Variant type: single nucleotide variant.
Coding change: c.1170-3T>C on transcript NM_020433.5 (MANE Select); 3 bases into the intron before coding-DNA position 1170, T replaced by C.
Molecular consequence: intron variant.
Genome position (GRCh38, 1-based): chr20:44,118,626, A>G on the plus strand (T>C on the coding strand, the complement: JPH2 is on the minus strand). VCF-style: chr20-44118626-A-G. GRCh37 (hg19) VCF-style: chr20-42747266-A-G.
Identifiers: ClinVar variation 2984972 (VCV002984972.3), dbSNP rs2515719838, ClinGen allele CA2652956037.
Genomic context (GRCh38, chr20:44,118,626, plus strand): 5'-GTTGGCAGCCAGGGCGGCCTGTTCCGCTGCCTCAGCTTTGGCCTTGGCGTGGCTTGTCCT[A>G]TGGAGACAATGTGGCAGAAGACTCAGGATCCTTCCAGAGAACCAGCCTTCTGCCCCTTCT-3'